The following is an entry in ClinVar:

NM_001040108.2(MLH3):c.766A>G (p.Lys256Glu)

Gene: MLH3 (mutL homolog 3; minus strand). Cytogenetic location: 14q24.3.
Variant type: single nucleotide variant.
Coding change: c.766A>G on transcript NM_001040108.2 (MANE Select); coding-DNA position 766, A replaced by G.
Protein change: p.Lys256Glu; replaces lysine 256 with glutamic acid.
Molecular consequence: missense variant.
Genome position (GRCh38, 1-based): chr14:75,048,890, T>C on the plus strand (A>G on the coding strand, the complement: MLH3 is on the minus strand). VCF-style: chr14-75048890-T-C. GRCh37 (hg19) VCF-style: chr14-75515593-T-C.
Other names: c.766A>G, p.Lys256Glu (NM_014381.3); short protein forms K256E.
Identifiers: ClinVar variation 3396701 (VCV003396701.1).

ClinVar aggregate classification (germline): Uncertain significance (1 of 4 stars; one submission).

Submission:

Ambry Genetics
Classification: Uncertain significance. Last evaluated: 2024-08-27. Review status: criteria provided, single submitter. Criteria: Ambry Variant Classification Scheme 2023. Collection method: clinical testing. Allele origin: germline.
Comment: The p.K256E variant (also known as c.766A>G), located in coding exon 1 of the MLH3 gene, results from an A to G substitution at nucleotide position 766. The lysine at codon 256 is replaced by glutamic acid, an amino acid with similar properties. This amino acid position is conserved. In addition, this alteration is predicted to be tolerated by in silico analysis. Based on the available evidence, the clinical significance of this variant remains unclear.